The following is an entry in ClinVar:

ClinVar aggregate classification (germline): Uncertain significance. Review status: criteria provided, multiple submitters, no conflicts (2 of 4 stars). 2 submissions from 2 submitters: Uncertain significance (2). Last evaluated 2023-10-29.

Conditions:
Benign neonatal seizures. Also called: Benign familial neonatal seizures; Benign neonatal familial convulsions; Convulsions benign familial neonatal dominant form; Autosomal dominant form of benign neonatal seizures; Benign familial neonatal epilepsy. Identifiers: Orphanet 1949, MedGen C0220669, MONDO:0016027.

Allele frequency attached by ClinVar (database versions not stated): gnomAD exomes below 0.00001.

Submissions (2):

Labcorp Genetics (formerly Invitae), Labcorp
Classification: Uncertain significance for Benign neonatal seizures. Last evaluated: 2023-10-29. Review status: criteria provided, single submitter. Criteria: Invitae Variant Classification Sherloc (09022015). Collection method: clinical testing. Allele origin: germline.
Comment: This sequence change replaces leucine, which is neutral and non-polar, with phenylalanine, which is neutral and non-polar, at codon 110 of the KCNQ3 protein (p.Leu110Phe). This variant is present in population databases (rs796052673, gnomAD 0.003%). This variant has not been reported in the literature in individuals affected with KCNQ3-related conditions. ClinVar contains an entry for this variant (Variation ID: 205958). Advanced modeling of protein sequence and biophysical properties (such as structural, functional, and spatial information, amino acid conservation, physicochemical variation, residue mobility, and thermodynamic stability) performed at Invitae indicates that this missense variant is not expected to disrupt KCNQ3 protein function with a negative predictive value of 80%. In summary, the available evidence is currently insufficient to determine the role of this variant in disease. Therefore, it has been classified as a Variant of Uncertain Significance.

GeneDx
Classification: Uncertain significance. Last evaluated: 2022-06-24. Review status: criteria provided, single submitter. Criteria: GeneDx Variant Classification Process June 2021. Collection method: clinical testing. Allele origin: germline. Affected: yes.
Comment: Not observed at significant frequency in large population cohorts (gnomAD); In silico analysis supports that this missense variant does not alter protein structure/function; Has not been previously published as pathogenic or benign to our knowledge

NM_004519.4(KCNQ3):c.330G>C (p.Leu110Phe)

Gene: KCNQ3 (potassium voltage-gated channel subfamily Q member 3; minus strand). Cytogenetic location: 8q24.22.
Variant type: single nucleotide variant.
Coding change: c.330G>C on transcript NM_004519.4 (MANE Select); coding-DNA position 330, G replaced by C.
Protein change: p.Leu110Phe; replaces leucine 110 with phenylalanine.
Molecular consequence: missense variant.
Genome position (GRCh38, 1-based): chr8:132,480,203, C>G on the plus strand (G>C on the coding strand, the complement: KCNQ3 is on the minus strand). VCF-style: chr8-132480203-C-G. GRCh37 (hg19) VCF-style: chr8-133492450-C-G.
Other names: p.L110F:TTG>TTC; short protein forms L110F.
Identifiers: ClinVar variation 205958 (VCV000205958.9), dbSNP rs796052673, ClinGen allele CA315584.